The following is an entry in ClinVar:

ClinVar aggregate classification (germline): Uncertain significance (1 of 4 stars; one submission).

Conditions:
Imerslund-Grasbeck syndrome. Also called: PERNICIOUS ANEMIA, JUVENILE, DUE TO SELECTIVE INTESTINAL MALABSORPTION OF VITAMIN B12, WITH PROTEINURIA; Megaloblastic anemia due to inborn errors of metabolism; ENTEROCYTE COBALAMIN MALABSORPTION; ENTEROCYTE INTRINSIC FACTOR RECEPTOR, DEFECT OF; Imerslund-Gräsbeck syndrome. Identifiers: Orphanet 35858, MedGen C4551825, MONDO:0009853.

Allele frequency attached by ClinVar (database versions not stated): gnomAD exomes below 0.00001.
gnomAD v4.1: 11 of 1,578,198 alleles (0.0007%); highest among the groups gnomAD compares: African/African-American, 0.0054%; no homozygotes.

Submission:

Labcorp Genetics (formerly Invitae), Labcorp
Classification: Uncertain significance for Imerslund-Grasbeck syndrome. Last evaluated: 2025-08-11. Review status: criteria provided, single submitter. Criteria: Invitae Variant Classification Sherloc (09022015). Collection method: clinical testing. Allele origin: germline.
Comment: This sequence change replaces glycine, which is neutral and non-polar, with glutamic acid, which is acidic and polar, at codon 407 of the CUBN protein (p.Gly407Glu). This variant is present in population databases (no rsID available, gnomAD 0.007%). This variant has not been reported in the literature in individuals affected with CUBN-related conditions. ClinVar contains an entry for this variant (Variation ID: 1979051). Invitae Evidence Modeling of protein sequence and biophysical properties (such as structural, functional, and spatial information, amino acid conservation, physicochemical variation, residue mobility, and thermodynamic stability) indicates that this missense variant is expected to disrupt CUBN protein function with a positive predictive value of 80%. In summary, the available evidence is currently insufficient to determine the role of this variant in disease. Therefore, it has been classified as a Variant of Uncertain Significance.

NM_001081.4(CUBN):c.1220G>A (p.Gly407Glu)

Gene: CUBN (cubilin; minus strand). Cytogenetic location: 10p13.
Variant type: single nucleotide variant.
Coding change: c.1220G>A on transcript NM_001081.4 (MANE Select); coding-DNA position 1220, G replaced by A.
Protein change: p.Gly407Glu; replaces glycine 407 with glutamic acid.
Molecular consequence: missense variant.
Genome position (GRCh38, 1-based): chr10:17,105,467, C>T on the plus strand (G>A on the coding strand, the complement: CUBN is on the minus strand). VCF-style: chr10-17105467-C-T. GRCh37 (hg19) VCF-style: chr10-17147466-C-T.
Other names: short protein forms G407E.
Identifiers: ClinVar variation 1979051 (VCV001979051.2), dbSNP rs1434652742, ClinGen allele CA376162980.
Genomic context (GRCh38, chr10:17,105,467, plus strand): 5'-GAAACTAATTCTCAGGTACTCTCTGTCCACAGGAAAAACAAAGGACTCACGATGCATTGT[C>T]CATTTAGACAGGGGTGACTTAGGCAAATATTACTGAGCTGCACACATCCATTTGGCCCAT-3'
Protein context (NP_001072.2, residues 397-417): NICLSHPCLN[Gly407Glu]QCIDTVSGYF